The following is an entry in ClinVar:

NM_006947.4(SRP72):c.23G>A (p.Gly8Glu)

Genes: SRP72 (signal recognition particle 72; plus strand), LOC129992625 (ATAC-STARR-seq lymphoblastoid active region 21580; plus strand). Cytogenetic location: 4q12.
Variant type: single nucleotide variant.
Coding change: c.23G>A on transcript NM_006947.4 (MANE Select); coding-DNA position 23, G replaced by A.
Protein change: p.Gly8Glu; replaces glycine 8 with glutamic acid.
Molecular consequence: missense variant. On other transcripts: non-coding transcript variant (1).
Genome position (GRCh38, 1-based): chr4:56,467,658, G>A. VCF-style: chr4-56467658-G-A. GRCh37 (hg19) VCF-style: chr4-57333824-G-A.
Other names: c.23G>A, p.Gly8Glu (NM_001267722.2); short protein forms G8E.
Identifiers: ClinVar variation 349115 (VCV000349115.12), dbSNP rs760960779, ClinGen allele CA2930929.

ClinVar aggregate classification (germline): Conflicting classifications of pathogenicity. Review status: criteria provided, conflicting classifications (1 of 4 stars). 3 submissions from 3 submitters: Uncertain significance (1); Benign (1); Likely benign (1). Last evaluated 2025-11-19.

Conditions:
Autosomal dominant aplasia and myelodysplasia. Also called: Bone marrow failure syndrome 1. Identifiers: Orphanet 314399, MedGen C3808553, MONDO:0013851, OMIM 614675.

Allele frequency attached by ClinVar (database versions not stated): ExAC 0.00021.
gnomAD v4.1: 72 of 1,559,726 alleles (0.0046%); highest among the groups gnomAD compares: South Asian, 0.076%; 2 homozygotes.

Submissions (3):

Ambry Genetics
Classification: Uncertain significance. Last evaluated: 2025-11-19. Review status: criteria provided, single submitter. Criteria: Ambry Variant Classification Scheme 2023. Collection method: clinical testing. Allele origin: germline.

Labcorp Genetics (formerly Invitae), Labcorp
Classification: Likely benign. Last evaluated: 2025-06-28. Review status: criteria provided, single submitter. Criteria: Invitae Variant Classification Sherloc (09022015). Collection method: clinical testing. Allele origin: germline.

Illumina Laboratory Services, Illumina
Classification: Benign for Autosomal dominant aplasia and myelodysplasia. Last evaluated: 2018-01-12. Review status: criteria provided, single submitter. Criteria: ICSL Variant Classification Criteria 13 December 2019. Collection method: clinical testing. Allele origin: germline.
Comment: This variant was observed in the ICSL laboratory as part of a predisposition screen in an ostensibly healthy population. It had not been previously curated by ICSL or reported in the Human Gene Mutation Database (HGMD: prior to June 1st, 2018), and was therefore a candidate for classification through an automated scoring system. Utilizing variant allele frequency, disease prevalence and penetrance estimates, and inheritance mode, an automated score was calculated to assess if this variant is too frequent to cause the disease. Based on the score and internal cut-off values, a variant classified as benign is not then subjected to further curation. The score for this variant resulted in a classification of benign for this disease.